The following is an entry in ClinVar:

NM_001111077.2(EZR):c.1636A>G (p.Lys546Glu)

Gene: EZR (ezrin; minus strand). Cytogenetic location: 6q25.3.
Variant type: single nucleotide variant.
Coding change: c.1636A>G on transcript NM_001111077.2 (MANE Select); coding-DNA position 1636, A replaced by G.
Protein change: p.Lys546Glu; replaces lysine 546 with glutamic acid.
Molecular consequence: missense variant.
Genome position (GRCh38, 1-based): chr6:158,767,039, T>C on the plus strand (A>G on the coding strand, the complement: EZR is on the minus strand). VCF-style: chr6-158767039-T-C. GRCh37 (hg19) VCF-style: chr6-159188071-T-C.
Other names: c.1636A>G, p.Lys546Glu (NM_003379.5); short protein forms K546E.
Identifiers: ClinVar variation 2635426 (VCV002635426.1), dbSNP rs2484473232, ClinGen allele CA366275654.
Genomic context (GRCh38, chr6:158,767,039, plus strand): 5'-TGTACTTGTCCCGGCCTTGCCTCATGTTCTCGTTGTGGATGATGTCATTGTGGGTCCTCT[T>C]ATTCTCATCTCGGGCCTGGGACAGCTCGCTGCTCAGCGTCTGTAACATTAAGCAGCATTG-3'
Protein context (NP_001104547.1, residues 536-556): SELSQARDEN[Lys546Glu]RTHNDIIHNE

ClinVar aggregate classification (germline): Uncertain significance (1 of 4 stars; one submission).

Conditions:
EZR-related disorder. Also called: EZR-related condition.

Submission:

PreventionGenetics, part of Exact Sciences
Classification: Uncertain significance for EZR-related condition. Last evaluated: 2022-11-11. Review status: criteria provided, single submitter. Criteria: ACMG Guidelines, 2015. Collection method: clinical testing. Allele origin: germline.
Comment: The EZR c.1636A>G variant is predicted to result in the amino acid substitution p.Lys546Glu. To our knowledge, this variant has not been reported in the literature or in a large population database, indicating this variant is rare. At this time, the clinical significance of this variant is uncertain due to the absence of conclusive functional and genetic evidence.